The following is an entry in ClinVar:

NM_004807.3(HS6ST1):c.1194G>A (p.Val398=)

Gene: HS6ST1 (heparan sulfate 6-O-sulfotransferase 1; minus strand). Cytogenetic location: 2q14.3.
Variant type: single nucleotide variant.
Coding change: c.1194G>A on transcript NM_004807.3 (MANE Select); coding-DNA position 1194, G replaced by A.
Protein change: p.Val398=; no amino-acid change (valine 398 retained).
Molecular consequence: synonymous variant.
Genome position (GRCh38, 1-based): chr2:128,268,204, C>T on the plus strand (G>A on the coding strand, the complement: HS6ST1 is on the minus strand). VCF-style: chr2-128268204-C-T. GRCh37 (hg19) VCF-style: chr2-129025778-C-T.
Identifiers: ClinVar variation 1708403 (VCV001708403.4), dbSNP rs370255491, ClinGen allele CA1867446.

ClinVar aggregate classification (germline): Conflicting classifications of pathogenicity. Review status: criteria provided, conflicting classifications (1 of 4 stars). 2 submissions from 2 submitters: Uncertain significance (1); Likely benign (1). Last evaluated 2026-02-03.

Allele frequency attached by ClinVar (database versions not stated): TOPMed 0.00002; gnomAD 0.00003; gnomAD exomes 0.00003; ExAC 0.00004; ESP Exome Variant Server 0.00008.
gnomAD v4.1: 51 of 1,610,058 alleles (0.0032%); highest among the groups gnomAD compares: Middle Eastern, 0.042%; no homozygotes.

Submissions (2):

Labcorp Genetics (formerly Invitae), Labcorp
Classification: Likely benign. Last evaluated: 2026-02-03. Review status: criteria provided, single submitter. Criteria: Invitae Variant Classification Sherloc (09022015). Collection method: clinical testing. Allele origin: germline.

Centre of Medical Genetics, University Hospital Muenster
Classification: Uncertain significance. Last evaluated: 2022-06-23. Review status: criteria provided, single submitter. Criteria: ACMG Guidelines, 2015. Collection method: clinical testing. Allele origin: unknown. Affected: yes. Observed: 1 variant allele, 1 heterozygote.
Comment: ACMG categories: PM2